The following is an entry in ClinVar:

ClinVar aggregate classification (germline): Uncertain significance (1 of 4 stars; one submission).

Conditions:
Neuroblastoma, susceptibility to, 3. Also called: ALK-Related Neuroblastic Tumor Susceptibility. Identifiers: Orphanet 635, MedGen C2751681, MONDO:0013083, OMIM 613014.

Submission:

Labcorp Genetics (formerly Invitae), Labcorp
Classification: Uncertain significance for Neuroblastoma, susceptibility to, 3. Last evaluated: 2024-10-27. Review status: criteria provided, single submitter. Criteria: Invitae Variant Classification Sherloc (09022015). Collection method: clinical testing. Allele origin: germline.
Comment: This sequence change creates a premature translational stop signal (p.Tyr1278Leufs*7) in the ALK gene. It is expected to result in an absent or disrupted protein product. However, the current clinical and genetic evidence is not sufficient to establish whether loss-of-function variants in ALK cause disease. This variant is not present in population databases (gnomAD no frequency). This variant has not been reported in the literature in individuals affected with ALK-related conditions. In summary, the available evidence is currently insufficient to determine the role of this variant in disease. Therefore, it has been classified as a Variant of Uncertain Significance.

NM_004304.5(ALK):c.3832dup (p.Tyr1278fs)

Gene: ALK (ALK receptor tyrosine kinase; minus strand). Cytogenetic location: 2p23.2.
Variant type: Duplication.
Coding change: c.3832dup on transcript NM_004304.5 (MANE Select); coding-DNA position 3832, one base duplicated (T; older notation c.3832dupT).
Protein change: p.Tyr1278fs; shifts the reading frame from tyrosine 1278.
Molecular consequence: frameshift variant.
Genome position (GRCh38, 1-based): chr2:29,209,790, A duplicated on the plus strand (T on the coding strand, the reverse complement: ALK is on the minus strand). VCF-style (leftmost placement, unchanged base first): chr2-29209789-T-TA. GRCh37 (hg19) VCF-style: chr2-29432655-T-TA.
Other names: c.628dup, p.Tyr210fs (NM_001353765.2); short protein forms Y210fs, Y1278fs.
Identifiers: ClinVar variation 3722499 (VCV003722499.2).
Genomic context (GRCh38, chr2:29,209,789, plus strand): 5'-CTTGAGGGGCTGAGGTGGAAGAGACAGGCCCGGAGGGGTGAGGCAGTCTTTACTCACCTG[T>TA]AGATGTCTCGGGCCATCCCGAAGTCTCCAATCTTGGCCACTCTTCCAGGGCCTGGACAGG-3'